The following is an entry in ClinVar:

ClinVar aggregate classification (germline): Uncertain significance. Review status: criteria provided, multiple submitters, no conflicts (2 of 4 stars). 2 submissions from 2 submitters: Uncertain significance (2). Last evaluated 2025-11-30.

Conditions:
Autosomal dominant limb-girdle muscular dystrophy type 1D (DNAJB6) (LGMDD1). Also called: MUSCULAR DYSTROPHY, AUTOSOMAL DOMINANT, WITH RIMMED VACUOLES; MUSCULAR DYSTROPHY, LIMB-GIRDLE, TYPE 1D; Autosomal dominant limb-girdle muscular dystrophy type 1D; Muscular dystrophy, limb-girdle, autosomal dominant 1. Identifiers: Orphanet 34516, MedGen C4721885, MONDO:0021018, OMIM 603511.
Inborn genetic diseases. Identifiers: MedGen C0950123, MeSH D030342.

Allele frequency attached by ClinVar (database versions not stated): gnomAD exomes below 0.00001; TOPMed 0.00001.
gnomAD v4.1: 2 of 1,601,296 alleles (0.00012%); highest among the groups gnomAD compares: Admixed American, 0.0018%; no homozygotes.

Submissions (2):

Labcorp Genetics (formerly Invitae), Labcorp
Classification: Uncertain significance for Autosomal dominant limb-girdle muscular dystrophy type 1D (DNAJB6). Last evaluated: 2025-11-30. Review status: criteria provided, single submitter. Criteria: Invitae Variant Classification Sherloc (09022015). Collection method: clinical testing. Allele origin: germline.
Comment: This sequence change replaces aspartic acid, which is acidic and polar, with glycine, which is neutral and non-polar, at codon 121 of the DNAJB6 protein (p.Asp121Gly). This variant is present in population databases (no rsID available, gnomAD 0.003%). This variant has not been reported in the literature in individuals affected with DNAJB6-related conditions. ClinVar contains an entry for this variant (Variation ID: 1895502). Invitae Evidence Modeling of protein sequence and biophysical properties (such as structural, functional, and spatial information, amino acid conservation, physicochemical variation, residue mobility, and thermodynamic stability) indicates that this missense variant is not expected to disrupt DNAJB6 protein function with a negative predictive value of 80%. In summary, the available evidence is currently insufficient to determine the role of this variant in disease. Therefore, it has been classified as a Variant of Uncertain Significance.

Ambry Genetics
Classification: Uncertain significance for Inborn genetic diseases. Last evaluated: 2025-04-13. Review status: criteria provided, single submitter. Criteria: Ambry Variant Classification Scheme 2023. Collection method: clinical testing. Allele origin: germline.

NM_058246.4(DNAJB6):c.362A>G (p.Asp121Gly)

Gene: DNAJB6 (DnaJ heat shock protein family (Hsp40) member B6; plus strand). Cytogenetic location: 7q36.3.
Variant type: single nucleotide variant.
Coding change: c.362A>G on transcript NM_058246.4 (MANE Select); coding-DNA position 362, A replaced by G.
Protein change: p.Asp121Gly; replaces aspartic acid 121 with glycine.
Molecular consequence: missense variant. On other transcripts: intron variant (1).
Genome position (GRCh38, 1-based): chr7:157,382,261, A>G. VCF-style: chr7-157382261-A-G. GRCh37 (hg19) VCF-style: chr7-157174955-A-G.
Other names: c.362A>G, p.Asp121Gly (NM_005494.3); c.346+14778A>G (NM_001363676.1); c.362A>G (NM_058246.3); short protein forms D121G.
Identifiers: ClinVar variation 1895502 (VCV001895502.6), dbSNP rs1563136935, ClinGen allele CA370166326.